The following is an entry in ClinVar:

ClinVar aggregate classification (germline): Conflicting classifications of pathogenicity. Review status: criteria provided, conflicting classifications (1 of 4 stars). 4 submissions from 4 submitters: Uncertain significance (3); Likely benign (1). Last evaluated 2025-10-17.

Conditions:
Inborn genetic diseases. Identifiers: MedGen C0950123, MeSH D030342.

Allele frequency attached by ClinVar (database versions not stated): ExAC 0.00002; gnomAD exomes 0.00002.
gnomAD v4.1: 12 of 1,614,176 alleles (0.00074%); highest among the groups gnomAD compares: Middle Eastern, 0.016%; no homozygotes.

Submissions (4):

Ambry Genetics
Classification: Likely benign for Inborn genetic diseases. Last evaluated: 2025-10-17. Review status: criteria provided, single submitter. Criteria: Ambry Variant Classification Scheme 2023. Collection method: clinical testing. Allele origin: germline.

Labcorp Genetics (formerly Invitae), Labcorp
Classification: Uncertain significance. Last evaluated: 2025-02-09. Review status: criteria provided, single submitter. Criteria: Invitae Variant Classification Sherloc (09022015). Collection method: clinical testing. Allele origin: germline.
Comment: This sequence change replaces proline, which is neutral and non-polar, with arginine, which is basic and polar, at codon 163 of the RORB protein (p.Pro163Arg). This variant is present in population databases (rs766539793, gnomAD 0.004%). This variant has not been reported in the literature in individuals affected with RORB-related conditions. ClinVar contains an entry for this variant (Variation ID: 624359). An algorithm developed to predict the effect of missense changes on protein structure and function (PolyPhen-2) suggests that this variant is likely to be disruptive. In summary, the available evidence is currently insufficient to determine the role of this variant in disease. Therefore, it has been classified as a Variant of Uncertain Significance.

CeGaT Center for Human Genetics Tuebingen
Classification: Uncertain significance. Last evaluated: 2018-04-01. Review status: criteria provided, single submitter. Criteria: CeGaT Center For Human Genetics Tuebingen Variant Classification Criteria Version 2. Collection method: clinical testing. Allele origin: germline. Affected: yes. Observed: 1 variant allele.

Breakthrough Genomics
Classification: Uncertain significance. Review status: criteria provided, single submitter. Criteria: ACMG Guidelines, 2015. Collection method: not provided. Allele origin: germline. Inheritance: Autosomal recessive inheritance. Affected: yes.

NM_006914.4(RORB):c.488C>G (p.Pro163Arg)

Gene: RORB (RAR related orphan receptor B; plus strand). Cytogenetic location: 9q21.13.
Variant type: single nucleotide variant.
Coding change: c.488C>G on transcript NM_006914.4 (MANE Select); coding-DNA position 488, C replaced by G.
Protein change: p.Pro163Arg; replaces proline 163 with arginine.
Molecular consequence: missense variant.
Genome position (GRCh38, 1-based): chr9:74,642,666, C>G. VCF-style: chr9-74642666-C-G. GRCh37 (hg19) VCF-style: chr9-77257582-C-G.
Other names: c.488C>G (NM_006914.3); c.521C>G, p.Pro174Arg (NM_001365023.1); short protein forms P163R, P174R.
Identifiers: ClinVar variation 624359 (VCV000624359.46), dbSNP rs766539793, ClinGen allele CA5083382.
Genomic context (GRCh38, chr9:74,642,666, plus strand): 5'-ACGGGCACGTCATTGACCTGCCCAAGTCTGAGGGTTATTACAACGTCGATTCCGGTCAGC[C>G]GTCCCCTGATCAGTCAGGACTTGACATGACTGGAATCAAACAGATAAAGCAAGAACCTAT-3'
Protein context (NP_008845.2, residues 153-173): EGYYNVDSGQ[Pro163Arg]SPDQSGLDMT